The following is an entry in ClinVar:

ClinVar aggregate classification (germline): Conflicting classifications of pathogenicity. Review status: criteria provided, conflicting classifications (1 of 4 stars). 14 submissions from 14 submitters: Uncertain significance (11); Likely benign (1). 2 of the submissions do not count toward it. Last evaluated 2026-01-04.

Conditions:
ATM-related disorder. Also called: ATM-related disorders; ATM-related condition.
Hereditary cancer-predisposing syndrome. Also called: Tumor predisposition; Hereditary Cancer Syndrome; Hereditary neoplastic syndrome; Neoplastic Syndromes, Hereditary. Identifiers: Orphanet 140162, MedGen C0027672, MeSH D009386, MONDO:0015356.
Familial cancer of breast. Also called: hereditary breast carcinoma; Hereditary breast cancer; BREAST CANCER, FAMILIAL. Identifiers: Orphanet 227535, MedGen C0346153, MONDO:0016419, OMIM 114480. Disease mechanism: loss of function.
Ataxia-telangiectasia syndrome (AT). Also called: ATAXIA-TELANGIECTASIA, COMPLEMENTATION GROUP A; ATAXIA-TELANGIECTASIA, FRESNO VARIANT; Ataxia-telangiectasia; LOUIS-BAR SYNDROME; Ataxia telangiectasia (A-T); Ataxia-telangiectasia, complementation group D. Identifiers: Orphanet 100, MedGen C0004135, MONDO:0008840, OMIM 208900.

Allele frequency attached by ClinVar (database versions not stated): TOPMed 0.00004; gnomAD 0.00010 and 0.00011; ExAC 0.00012.
gnomAD v4.1: 130 of 1,613,768 alleles (0.0081%); highest among the groups gnomAD compares: Non-Finnish European, 0.0076%; no homozygotes.

Submissions (14):

Labcorp Genetics (formerly Invitae), Labcorp
Classification: Uncertain significance for Ataxia-telangiectasia syndrome. Last evaluated: 2026-01-04. Review status: criteria provided, single submitter. Criteria: Invitae Variant Classification Sherloc (09022015). Collection method: clinical testing. Allele origin: germline.
Comment: This sequence change replaces isoleucine, which is neutral and non-polar, with threonine, which is neutral and polar, at codon 576 of the ATM protein (p.Ile576Thr). This variant is present in population databases (rs730881342, gnomAD 0.03%). This missense change has been observed in individual(s) with breast cancer (PMID: 21933854, 28779002, 31882575). ClinVar contains an entry for this variant (Variation ID: 181920). Invitae Evidence Modeling of protein sequence and biophysical properties (such as structural, functional, and spatial information, amino acid conservation, physicochemical variation, residue mobility, and thermodynamic stability) indicates that this missense variant is not expected to disrupt ATM protein function with a negative predictive value of 95%. RNA analysis performed to evaluate the impact of this missense change on mRNA splicing indicates it does not significantly alter splicing (internal data). In summary, the available evidence is currently insufficient to determine the role of this variant in disease. Therefore, it has been classified as a Variant of Uncertain Significance.

Center for Genomic Medicine, Rigshospitalet, Copenhagen University Hospital
Classification: Uncertain significance. Last evaluated: 2025-12-29. Review status: criteria provided, single submitter. Criteria: ACMG Guidelines, 2015. Collection method: clinical testing. Allele origin: germline.

GeneDx
Classification: Uncertain significance. Last evaluated: 2025-08-13. Review status: criteria provided, single submitter. Criteria: GeneDx Variant Classification Process June 2021. Collection method: clinical testing. Allele origin: germline. Affected: yes.
Comment: In silico analysis suggests that this missense variant does not alter protein structure/function; This variant is associated with the following publications: (PMID: 21933854, 33471991, 31882575, 28779002, 36551643, 34718612)

Blueprint Genetics
Classification: Uncertain significance. Last evaluated: 2024-11-06. Review status: criteria provided, single submitter. Criteria: ACMG Guidelines, 2015. Collection method: clinical testing. Allele origin: germline.

Color Diagnostics, LLC DBA Color Health
Classification: Uncertain significance for Hereditary cancer-predisposing syndrome. Last evaluated: 2024-11-05. Review status: criteria provided, single submitter. Criteria: ACMG Guidelines, 2015. Collection method: clinical testing. Allele origin: germline.
Comment: This missense variant replaces isoleucine with threonine at codon 576 of the ATM protein. Computational prediction is inconclusive regarding the impact of this variant on protein structure and function. To our knowledge, functional studies have not been performed for this variant. This variant has been reported in individuals affected with breast cancer (PMID: 28779002, 31882575, 33471991, 36551643) and in unaffected controls (PMID: 21933854, 33471991, 36551643). In a large international case-control meta-analysis, this variant was reported in 8/60466 breast cancer cases and 14/53461 controls (PMID: 33471991). This variant has been identified in 27/282550 chromosomes in the general population by the Genome Aggregation Database (gnomAD). The available evidence is insufficient to determine the role of this variant in disease conclusively. Therefore, this variant is classified as a Variant of Uncertain Significance.

Ambry Genetics
Classification: Likely benign for Hereditary cancer-predisposing syndrome. Last evaluated: 2024-09-14. Review status: criteria provided, single submitter. Criteria: Ambry Variant Classification Scheme 2023. Collection method: clinical testing. Allele origin: germline.

Institute for Biomarker Research, Medical Diagnostic Laboratories, L.L.C.
Classification: Uncertain significance for Hereditary cancer-predisposing syndrome. Last evaluated: 2024-08-28. Review status: criteria provided, single submitter. Criteria: ACMG Guidelines, 2015. Collection method: clinical testing. Allele origin: germline.
Comment: The missense variant NM_000051.4(ATM):c.1727T>C (p.Ile576Thr) has not been reported previously as a pathogenic variant nor as a benign variant, to our knowledge. There is a moderate physicochemical difference between isoleucine and threonine.The p.Ile576Thr missense variant is predicted to be damaging by both SIFT and PolyPhen2. The nucleotide c.1727 in ATM is predicted conserved by GERP++ and PhyloP across 100 vertebrates. For these reasons, this variant has been classified as Uncertain Significance.

Mayo Clinic Laboratories, Mayo Clinic
Classification: Uncertain significance. Last evaluated: 2024-02-20. Review status: criteria provided, single submitter. Criteria: ACMG Guidelines, 2015. Collection method: clinical testing. Allele origin: germline. Observed: 2 variant alleles.

Baylor Genetics
Classification: Uncertain significance for Familial cancer of breast. Last evaluated: 2023-12-11. Review status: criteria provided, single submitter. Criteria: ACMG Guidelines, 2015. Collection method: clinical testing. Allele origin: unknown.

Women's Health and Genetics/Laboratory Corporation of America, LabCorp
Classification: Uncertain significance. Last evaluated: 2023-04-18. Review status: criteria provided, single submitter. Criteria: LabCorp Variant Classification Summary - May 2015. Collection method: clinical testing. Allele origin: germline.
Comment: Variant summary: ATM c.1727T>C (p.Ile576Thr) results in a non-conservative amino acid change in the encoded protein sequence. Four of five in-silico tools predict a damaging effect of the variant on protein function. The variant allele was found at a frequency of 9.1e-05 in 251712 control chromosomes. This frequency is not significantly higher than estimated for a pathogenic variant in ATM causing Breast Cancer (9.1e-05 vs 0.001), allowing no conclusion about variant significance. c.1727T>C has been reported in the literature as a VUS in settings of multigene panel testing in individuals affected with Breast Cancer (example, Jarhelle_2019, Nurmi_2022). These report(s) do not provide unequivocal conclusions about association of the variant with Breast Cancer/Ataxia-Telangiectasia/ATM-related cancers. To our knowledge, no experimental evidence demonstrating an impact on protein function has been reported. Seven clinical diagnostic laboratories have submitted clinical-significance assessments for this variant to ClinVar after 2014 without evidence for independent evaluation. All laboratories classified the variant as uncertain significance. Based on the evidence outlined above, the variant was classified as uncertain significance.

St. Jude Molecular Pathology, St. Jude Children's Research Hospital
Classification: Uncertain significance for Ataxia-telangiectasia syndrome. Last evaluated: 2022-07-07. Review status: criteria provided, single submitter. Criteria: St. Jude Assertion Criteria 2020. Collection method: clinical testing. Allele origin: germline.
Comment: The ATM c.1727T>C (p.Ile576Thr) missense change has a maximum frequency of 0.036% in gnomAD v2.1.1. The in silico tool REVEL is inconclusive about a pathogenic or benign effect of this variant on protein function, and to our knowledge functional studies have not been performed. This variant has been reported in individuals affected with breast cancer (PMID: 28779002, 31882575). In addition, one individual with this variant is reported in a database of women older than 70 years of age who have never had cancer (FLOSSIES). In summary, the evidence currently available is insufficient to determine the clinical significance of this variant. It has therefore been classified as of uncertain significance.

Athena Diagnostics
Classification: Uncertain significance. Last evaluated: 2022-04-05. Review status: criteria provided, single submitter. Criteria: Athena Diagnostics Criteria. Collection method: clinical testing. Allele origin: unknown.

PreventionGenetics, part of Exact Sciences
Classification: Uncertain significance for ATM-related condition. Last evaluated: 2024-08-15. Review status: no assertion criteria provided. Collection method: clinical testing. Allele origin: germline. Not counted in ClinVar's aggregate classification.
Comment: The ATM c.1727T>C variant is predicted to result in the amino acid substitution p.Ile576Thr. This variant has been reported in individuals with breast cancer (Table S5, Decker et al. 2017. PubMed ID: 28779002; Table 3, Jarhelle et al. 2019. PubMed ID: 31882575) as well as in a control from a chronic lymphocyticleukemia cohort study (Table S2, Skowronska et al. 2012. PubMed ID: 21933854). This variant is reported in 0.036% of alleles in individuals of European (Finnish) descent in gnomAD and is interpreted as uncertain in ClinVar. At this time, the clinical significance of this variant is uncertain due to the absence of conclusive functional and genetic evidence.

Natera, Inc.
Classification: Uncertain significance for Ataxia-telangiectasia. Last evaluated: 2020-09-16. Review status: no assertion criteria provided. Collection method: clinical testing. Allele origin: germline. Not counted in ClinVar's aggregate classification.

Literature cited by the submitters: PubMed 21933854 (cited by 5 submitters); PubMed 28779002 (cited by 4 submitters); PubMed 31882575 (cited by 6 submitters); PubMed 33471991 (cited by Color Diagnostics, LLC DBA Color Health); PubMed 36551643 (cited by Color Diagnostics, LLC DBA Color Health and Women's Health and Genetics/Laboratory Corporation of America, LabCorp).

NM_000051.4(ATM):c.1727T>C (p.Ile576Thr)

Gene: ATM (ATM serine/threonine kinase; plus strand). Cytogenetic location: 11q22.3.
Variant type: single nucleotide variant.
Coding change: c.1727T>C on transcript NM_000051.4 (MANE Select); coding-DNA position 1727, T replaced by C.
Protein change: p.Ile576Thr; replaces isoleucine 576 with threonine.
Molecular consequence: missense variant.
Genome position (GRCh38, 1-based): chr11:108,251,956, T>C. VCF-style: chr11-108251956-T-C. GRCh37 (hg19) VCF-style: chr11-108122683-T-C.
Other names: p.I576T:ATA>ACA; p.Ile576Thr; c.1727T>C, p.Ile576Thr (NM_001351834.2); short protein forms I576T.
Identifiers: ClinVar variation 181920 (VCV000181920.39), dbSNP rs730881342, ClinGen allele CA298144.